The following is an entry in ClinVar:

NM_003126.4(SPTA1):c.6244C>T (p.Gln2082Ter)

Gene: SPTA1 (spectrin alpha, erythrocytic 1; minus strand). Cytogenetic location: 1q23.1.
Variant type: single nucleotide variant.
Coding change: c.6244C>T on transcript NM_003126.4 (MANE Select); coding-DNA position 6244, C replaced by T.
Protein change: p.Gln2082Ter; replaces glutamine 2082 with a stop codon.
Molecular consequence: nonsense.
Genome position (GRCh38, 1-based): chr1:158,620,343, G>A on the plus strand (C>T on the coding strand, the complement: SPTA1 is on the minus strand). VCF-style: chr1-158620343-G-A. GRCh37 (hg19) VCF-style: chr1-158590133-G-A.
Other names: short protein forms Q2082*.
Identifiers: ClinVar variation 4729918 (VCV004729918.1).

ClinVar aggregate classification (germline): Pathogenic (1 of 4 stars; one submission).

Submission:

Labcorp Genetics (formerly Invitae), Labcorp
Classification: Pathogenic. Last evaluated: 2025-11-12. Review status: criteria provided, single submitter. Criteria: Invitae Variant Classification Sherloc (09022015). Collection method: clinical testing. Allele origin: germline.
Comment: This sequence change creates a premature translational stop signal (p.Gln2082*) in the SPTA1 gene. It is expected to result in an absent or disrupted protein product. Loss-of-function variants in SPTA1 are known to be pathogenic (PMID: 9192783, 18815189, 31333484, 31723846, 32266426). This variant is not present in population databases (gnomAD no frequency). This variant has not been reported in the literature in individuals affected with SPTA1-related conditions. For these reasons, this variant has been classified as Pathogenic.

Literature cited by the submitters: PubMed 9192783; PubMed 18815189; PubMed 31333484; PubMed 31723846; PubMed 32266426.